The following is an entry in ClinVar:

ClinVar aggregate classification (germline): Pathogenic (1 of 4 stars; one submission).

Conditions:
Hereditary cancer-predisposing syndrome. Also called: Hereditary neoplastic syndrome; Hereditary Cancer Syndrome; Neoplastic Syndromes, Hereditary; Tumor predisposition. Identifiers: Orphanet 140162, MedGen C0027672, MeSH D009386, MONDO:0015356.

Submission:

Ambry Genetics
Classification: Pathogenic for Hereditary cancer-predisposing syndrome. Last evaluated: 2023-04-20. Review status: criteria provided, single submitter. Criteria: Ambry Variant Classification Scheme 2023. Collection method: clinical testing. Allele origin: germline.
Comment: The c.1443delT pathogenic mutation, located in coding exon 14 of the MUTYH gene, results from a deletion of one nucleotide at nucleotide position 1443, causing a translational frameshift with a predicted alternate stop codon (p.H482Tfs*9). This alteration is expected to result in loss of function by premature protein truncation or nonsense-mediated mRNA decay. As such, this alteration is interpreted as a disease-causing mutation.

NM_001048174.2(MUTYH):c.1359del (p.His454fs)

Gene: MUTYH (mutY DNA glycosylase; minus strand). Cytogenetic location: 1p34.1.
Variant type: Deletion.
Coding change: c.1359del on transcript NM_001048174.2 (MANE Select); coding-DNA position 1359, one base deleted (T; older notation c.1359delT).
Protein change: p.His454fs; shifts the reading frame from histidine 454.
Molecular consequence: frameshift variant. On other transcripts: non-coding transcript variant (7).
Genome position (GRCh38, 1-based): chr1:45,331,215, A deleted on the plus strand (T on the coding strand, the reverse complement: MUTYH is on the minus strand); the first of 3 consecutive A bases (chr1:45,331,215-45,331,217); deleting any one gives the same sequence. VCF-style (leftmost placement, unchanged base first): chr1-45331214-GA-G. GRCh37 (hg19) VCF-style: chr1-45796886-GA-G.
Other names: c.1359del, p.His454fs (NM_001048171.2, NM_001048173.2, NM_001293195.2 and 6 more transcripts); c.1362del, p.His455fs (NM_001048172.2, NM_001407071.1, NM_001407078.1 and 1 more transcripts); c.1443del, p.His482fs (NM_001128425.2); c.1404del, p.His469fs (NM_001293190.2); c.1392del, p.His465fs (NM_001293191.2, NM_001407069.1, NM_001407077.1); c.1083del, p.His362fs (NM_001293192.2, NM_001293196.2, NM_001407091.1); c.1014del, p.His339fs (NM_001350650.2, NM_001350651.2, NM_001407082.1); c.1275del, p.His426fs (NM_001407075.1); and 6 more; short protein forms H339fs, H440fs, H465fs, H469fs, H479fs, H362fs, H461fs, H482fs.
Identifiers: ClinVar variation 2567643 (VCV002567643.2), dbSNP rs2523906210, ClinGen allele CA2580611157.